The following is an entry in ClinVar:

NM_005529.7(HSPG2):c.3517G>C (p.Gly1173Arg)

Gene: HSPG2 (heparan sulfate proteoglycan 2; minus strand). Cytogenetic location: 1p36.12.
Variant type: single nucleotide variant.
Coding change: c.3517G>C on transcript NM_005529.7 (MANE Select); coding-DNA position 3517, G replaced by C.
Protein change: p.Gly1173Arg; replaces glycine 1173 with arginine.
Molecular consequence: missense variant.
Genome position (GRCh38, 1-based): chr1:21,874,627, C>G on the plus strand (G>C on the coding strand, the complement: HSPG2 is on the minus strand). VCF-style: chr1-21874627-C-G. GRCh37 (hg19) VCF-style: chr1-22201120-C-G.
Other names: c.3520G>C, p.Gly1174Arg (NM_001291860.2); short protein forms G1174R, G1173R.
Identifiers: ClinVar variation 1378065 (VCV001378065.8), dbSNP rs1468786047, ClinGen allele CA338960721.

ClinVar aggregate classification (germline): Uncertain significance (1 of 4 stars; one submission).

Allele frequency attached by ClinVar (database versions not stated): gnomAD exomes below 0.00001; TOPMed below 0.00001; gnomAD 0.00001.
gnomAD v4.1: 5 of 1,613,672 alleles (0.00031%); highest among the groups gnomAD compares: Middle Eastern, 0.016%; no homozygotes.

Submission:

Labcorp Genetics (formerly Invitae), Labcorp
Classification: Uncertain significance. Last evaluated: 2022-07-12. Review status: criteria provided, single submitter. Criteria: Invitae Variant Classification Sherloc (09022015). Collection method: clinical testing. Allele origin: germline.
Comment: This sequence change replaces glycine, which is neutral and non-polar, with arginine, which is basic and polar, at codon 1173 of the HSPG2 protein (p.Gly1173Arg). This variant is present in population databases (no rsID available, gnomAD 0.003%). This variant has not been reported in the literature in individuals affected with HSPG2-related conditions. ClinVar contains an entry for this variant (Variation ID: 1378065). Algorithms developed to predict the effect of missense changes on protein structure and function are either unavailable or do not agree on the potential impact of this missense change (SIFT: "Deleterious"; PolyPhen-2: "Probably Damaging"; Align-GVGD: "Class C0"). In summary, the available evidence is currently insufficient to determine the role of this variant in disease. Therefore, it has been classified as a Variant of Uncertain Significance.